The following is an entry in ClinVar:

ClinVar aggregate classification (germline): Uncertain significance (1 of 4 stars; one submission).

Submission:

GeneDx
Classification: Uncertain significance. Last evaluated: 2026-03-11. Review status: criteria provided, single submitter. Criteria: GeneDx Variant Classification Process June 2021. Collection method: clinical testing. Allele origin: germline.
Comment: Not located in one of the three hot-spot regions of the RYR2 gene, where the majority of pathogenic missense variants occur (PMID: 19926015); Not observed at significant frequency in large population cohorts (gnomAD); In silico analysis suggests that this missense variant does not alter protein structure/function; Has not been previously published as pathogenic or benign to our knowledge; This variant is associated with the following publications: (PMID: 19926015)

NM_001035.3(RYR2):c.22G>A (p.Glu8Lys)

Gene: RYR2 (ryanodine receptor 2; plus strand). Cytogenetic location: 1q43.
Variant type: single nucleotide variant.
Coding change: c.22G>A on transcript NM_001035.3 (MANE Select); coding-DNA position 22, G replaced by A.
Protein change: p.Glu8Lys; replaces glutamic acid 8 with lysine.
Molecular consequence: missense variant.
Genome position (GRCh38, 1-based): chr1:237,042,543, G>A. VCF-style: chr1-237042543-G-A. GRCh37 (hg19) VCF-style: chr1-237205843-G-A.
Other names: short protein forms E8K.
Identifiers: ClinVar variation 5008981 (VCV005008981.1).